The following is an entry in ClinVar:

NM_198253.3(TERT):c.3172_3173delinsTT (p.Ala1058Phe)

Gene: TERT (telomerase reverse transcriptase; minus strand). Cytogenetic location: 5p15.33.
Variant type: Indel.
Coding change: c.3172_3173delinsTT on transcript NM_198253.3 (MANE Select); coding-DNA positions 3172 to 3173, GC replaced by TT.
Protein change: p.Ala1058Phe; replaces alanine 1058 with phenylalanine.
Molecular consequence: missense variant. On other transcripts: non-coding transcript variant (2).
Genome position (GRCh38, 1-based): chr5:1,254,490-1,254,491, GC replaced by AA on the plus strand (GC replaced by TT on the coding strand, the reverse complement: TERT is on the minus strand). VCF-style: chr5-1254490-GC-AA. GRCh37 (hg19) VCF-style: chr5-1254605-GC-AA.
Other names: c.2983_2984delinsTT, p.Ala995Phe (NM_001193376.3); c.3172_3173delGCinsTT, p.Ala1058Phe (NM_198253.2); short protein forms A1058F, A995F.
Identifiers: ClinVar variation 4686342 (VCV004686342.1).

ClinVar aggregate classification (germline): Uncertain significance (1 of 4 stars; one submission).

Submission:

GeneDx
Classification: Uncertain significance. Last evaluated: 2025-07-16. Review status: criteria provided, single submitter. Criteria: GeneDx Variant Classification Process June 2021. Collection method: clinical testing. Allele origin: germline. Affected: yes.
Comment: Not observed at significant frequency in large population cohorts (gnomAD); In silico analysis supports a deleterious effect on protein structure/function; Has not been previously published as pathogenic or benign to our knowledge